The following is an entry in ClinVar:

NM_004453.4(ETFDH):c.1480G>C (p.Glu494Gln)

Gene: ETFDH (electron transfer flavoprotein dehydrogenase; plus strand). Cytogenetic location: 4q32.1.
Variant type: single nucleotide variant.
Coding change: c.1480G>C on transcript NM_004453.4 (MANE Select); coding-DNA position 1480, G replaced by C.
Protein change: p.Glu494Gln; replaces glutamic acid 494 with glutamine.
Molecular consequence: missense variant.
Genome position (GRCh38, 1-based): chr4:158,706,640, G>C. VCF-style: chr4-158706640-G-C. GRCh37 (hg19) VCF-style: chr4-159627792-G-C.
Other names: p.E494Q:GAA>CAA; c.1339G>C, p.Glu447Gln (NM_001281737.2); c.1297G>C, p.Glu433Gln (NM_001281738.1); short protein forms E494Q, E447Q, E433Q.
Identifiers: ClinVar variation 203708 (VCV000203708.8), dbSNP rs771456968, ClinGen allele CA312515.

ClinVar aggregate classification (germline): Uncertain significance. Review status: criteria provided, multiple submitters, no conflicts (2 of 4 stars). 3 submissions from 3 submitters: Uncertain significance (3). Last evaluated 2025-03-21.

Conditions:
Inborn genetic diseases. Identifiers: MedGen C0950123, MeSH D030342.
Multiple acyl-CoA dehydrogenase deficiency (MADD). Also called: ETHYLMALONIC-ADIPICACIDURIA; GA II; Glutaric aciduria, type 2; Glutaric acidemia type II; GA 2; Glutaric Acidemia type 2. Identifiers: Orphanet 26791, MedGen C0268596, MONDO:0009282, OMIM 231680.

Allele frequency attached by ClinVar (database versions not stated): gnomAD 0.00004 and 0.00005; gnomAD exomes 0.00005 and 0.00006; TOPMed 0.00006; ExAC 0.00008.
gnomAD v4.1: 78 of 1,613,760 alleles (0.0048%); highest among the groups gnomAD compares: Middle Eastern, 0.066%; no homozygotes.

Submissions (3):

Ambry Genetics
Classification: Uncertain significance for Inborn genetic diseases. Last evaluated: 2025-03-21. Review status: criteria provided, single submitter. Criteria: Ambry Variant Classification Scheme 2023. Collection method: clinical testing. Allele origin: germline.

Labcorp Genetics (formerly Invitae), Labcorp
Classification: Uncertain significance for Multiple acyl-CoA dehydrogenase deficiency. Last evaluated: 2022-07-06. Review status: criteria provided, single submitter. Criteria: Invitae Variant Classification Sherloc (09022015). Collection method: clinical testing. Allele origin: germline.
Comment: This sequence change replaces glutamic acid, which is acidic and polar, with glutamine, which is neutral and polar, at codon 494 of the ETFDH protein (p.Glu494Gln). This variant is present in population databases (rs771456968, gnomAD 0.01%). This variant has not been reported in the literature in individuals affected with ETFDH-related conditions. ClinVar contains an entry for this variant (Variation ID: 203708). Advanced modeling of protein sequence and biophysical properties (such as structural, functional, and spatial information, amino acid conservation, physicochemical variation, residue mobility, and thermodynamic stability) performed at Invitae indicates that this missense variant is not expected to disrupt ETFDH protein function. In summary, the available evidence is currently insufficient to determine the role of this variant in disease. Therefore, it has been classified as a Variant of Uncertain Significance.

GeneDx
Classification: Uncertain significance. Last evaluated: 2020-08-19. Review status: criteria provided, single submitter. Criteria: GeneDx Variant Classification Process June 2021. Collection method: clinical testing. Allele origin: germline. Affected: yes.
Comment: Not observed at a significant frequency in large population cohorts (Lek et al., 2016); In silico analysis supports that this missense variant does not alter protein structure/function; Has not been previously published as pathogenic or benign to our knowledge